The following is an entry in ClinVar:

NM_001001344.3(ATP2B3):c.2414C>T (p.Ala805Val)

Gene: ATP2B3 (ATPase plasma membrane Ca2+ transporting 3; plus strand). Cytogenetic location: Xq28.
Variant type: single nucleotide variant.
Coding change: c.2414C>T on transcript NM_001001344.3 (MANE Select); coding-DNA position 2414, C replaced by T.
Protein change: p.Ala805Val; replaces alanine 805 with valine.
Molecular consequence: missense variant.
Genome position (GRCh38, 1-based): chrX:153,557,004, C>T. VCF-style: chrX-153557004-C-T. GRCh37 (hg19) VCF-style: chrX-152822462-C-T.
Other names: c.2414C>T, p.Ala805Val (NM_001388360.1, NM_001388361.1, NM_001388362.1 and 1 more transcripts); short protein forms A805V.
Identifiers: ClinVar variation 385191 (VCV000385191.2), dbSNP rs1057522147, ClinGen allele CA16608762.

ClinVar aggregate classification (germline): Uncertain significance (1 of 4 stars; one submission).

gnomAD v4.1: 2 of 1,185,847 alleles (0.00017%); highest among the groups gnomAD compares: Non-Finnish European, 0.00023%; no homozygotes.

Submission:

GeneDx
Classification: Uncertain significance. Last evaluated: 2016-03-25. Review status: criteria provided, single submitter. Criteria: GeneDx Variant Classification (06012015). Collection method: clinical testing. Allele origin: germline. Affected: yes.
Comment: The A805V variant in the ATP2B3 gene has not been reported previously as a pathogenic variant, nor as a benign variant, to our knowledge. The A805V variant was not observed in approximately 6,500 individuals of European and African American ancestry in the NHLBI Exome Sequencing Project, indicating it is not a common benign variant in these populations. The A805V variant is a conservative amino acid substitution, which is not likely to impact secondary protein structure as these residues share similar properties. This substitution occurs at a position that is conserved across species. In silico analysis predicts this variant is probably damaging to the protein structure/function. We interpret A805V as a variant of uncertain significance.